The following is an entry in ClinVar:

NM_012469.4(PRPF6):c.2688G>T (p.Glu896Asp)

Gene: PRPF6 (pre-mRNA processing factor 6; plus strand). Cytogenetic location: 20q13.33.
Variant type: single nucleotide variant.
Coding change: c.2688G>T on transcript NM_012469.4 (MANE Select); coding-DNA position 2688, G replaced by T.
Protein change: p.Glu896Asp; replaces glutamic acid 896 with aspartic acid.
Molecular consequence: missense variant.
Genome position (GRCh38, 1-based): chr20:64,032,855, G>T. VCF-style: chr20-64032855-G-T. GRCh37 (hg19) VCF-style: chr20-62664208-G-T.
Other names: short protein forms E896D.
Identifiers: ClinVar variation 339487 (VCV000339487.15), dbSNP rs140112205, ClinGen allele CA9972582.

ClinVar aggregate classification (germline): Conflicting classifications of pathogenicity. Review status: criteria provided, conflicting classifications (1 of 4 stars). 5 submissions from 5 submitters: Uncertain significance (4); Likely benign (1). Last evaluated 2025-07-23.

Conditions:
Retinitis pigmentosa (RP). Identifiers: Orphanet 791, MedGen C0035334, MeSH D012174, MONDO:0019200, OMIM 268000. Inheritance: Autosomal dominant, autosomal recessive and X linked inheritance.

Allele frequency attached by ClinVar (database versions not stated): gnomAD 0.00006 and 0.00007; gnomAD exomes 0.00011; ExAC 0.00012; TOPMed 0.00013; ESP Exome Variant Server 0.00015.
gnomAD v4.1: 95 of 1,610,624 alleles (0.0059%); highest among the groups gnomAD compares: Admixed American, 0.028%; no homozygotes.

Submissions (5):

Labcorp Genetics (formerly Invitae), Labcorp
Classification: Uncertain significance. Last evaluated: 2025-07-23. Review status: criteria provided, single submitter. Criteria: Invitae Variant Classification Sherloc (09022015). Collection method: clinical testing. Allele origin: germline.
Comment: This sequence change replaces glutamic acid, which is acidic and polar, with aspartic acid, which is acidic and polar, at codon 896 of the PRPF6 protein (p.Glu896Asp). This variant is present in population databases (rs140112205, gnomAD 0.03%). This variant has not been reported in the literature in individuals affected with PRPF6-related conditions. ClinVar contains an entry for this variant (Variation ID: 339487). Invitae Evidence Modeling of protein sequence and biophysical properties (such as structural, functional, and spatial information, amino acid conservation, physicochemical variation, residue mobility, and thermodynamic stability) indicates that this missense variant is not expected to disrupt PRPF6 protein function with a negative predictive value of 80%. In summary, the available evidence is currently insufficient to determine the role of this variant in disease. Therefore, it has been classified as a Variant of Uncertain Significance.

Blueprint Genetics
Classification: Likely benign. Last evaluated: 2024-09-21. Review status: criteria provided, single submitter. Criteria: ACMG Guidelines, 2015. Collection method: clinical testing. Allele origin: germline.

Ambry Genetics
Classification: Uncertain significance. Last evaluated: 2024-02-26. Review status: criteria provided, single submitter. Criteria: Ambry Variant Classification Scheme 2023. Collection method: clinical testing. Allele origin: germline.

Illumina Laboratory Services, Illumina
Classification: Uncertain significance for Retinitis pigmentosa. Last evaluated: 2018-01-12. Review status: criteria provided, single submitter. Criteria: ICSL Variant Classification Criteria 13 December 2019. Collection method: clinical testing. Allele origin: germline.

Breakthrough Genomics
Classification: Uncertain significance. Review status: criteria provided, single submitter. Criteria: ACMG Guidelines, 2015. Collection method: not provided. Allele origin: germline. Inheritance: Autosomal dominant inheritance. Affected: yes.